The following is an entry in ClinVar:

ClinVar aggregate classification (germline): Benign/Likely benign (0 of 4 stars; one submission).

Submission:

ISCA Site 6
Classification: Benign/Likely benign. Review status: no assertion criteria provided. Collection method: clinical testing. Allele origin: unknown. Affected: yes. Observed: 7 variant alleles. Clinical features observed: Developmental delay AND/OR other significant developmental or morphological phenotypes.
Comment: Likely benign (4), Benign (3)

Copy number variation identified through the course of routine clinical cytogenomic testing in postnatal populations, with clinical assertions as classified by the original submitter. For data from the original published study, Kaminsky, et al. 2011 (PubMed 21844811), please see nstd101.

GRCh37/hg19 18q21.1(chr18:47015598-47015679)x3

Genes: RPL17 (ribosomal protein L17; minus strand), RPL17-C18orf32 (RPL17-C18orf32 readthrough; minus strand). Cytogenetic location: 18q21.1.
Variant type: copy number gain.
Change: copy number 3 (three copies instead of two) of chr18:47,015,598-47,015,679 (0.1 kb, GRCh37 coordinates, 1-based), cytogenetic band 18q21.1.
Identifiers: ClinVar variation 394572 (VCV000394572.3).